The following is an entry in ClinVar:

ClinVar aggregate classification (germline): Uncertain significance (1 of 4 stars; one submission).

Conditions:
Inborn genetic diseases. Identifiers: MedGen C0950123, MeSH D030342.

gnomAD v4.1: 13 of 1,614,042 alleles (0.00081%); highest among the groups gnomAD compares: South Asian, 0.0011%; no homozygotes.

Submission:

Ambry Genetics
Classification: Uncertain significance for Inborn genetic diseases. Last evaluated: 2026-03-02. Review status: criteria provided, single submitter. Criteria: Ambry Variant Classification Scheme 2023. Collection method: clinical testing. Allele origin: germline.
Comment: The c.4369C>T (p.R1457W) alteration is located in exon 25 (coding exon 25) of the TRPM3 gene. This alteration results from a C to T substitution at nucleotide position 4369, causing the arginine (R) at amino acid position 1457 to be replaced by a tryptophan (W). Based on data from gnomAD, the T allele has an overall frequency of 0.003% (1/31382) total alleles studied. The highest observed frequency was <0.001% (/) of alleles. Based on insufficient or conflicting evidence, the clinical significance of this alteration remains unclear.

NM_001366145.2(TRPM3):c.4405C>T (p.Arg1469Trp)

Genes: KLF9-DT (KLF9 divergent transcript; plus strand), TRPM3 (transient receptor potential cation channel subfamily M member 3; minus strand). Cytogenetic location: 9q21.12.
Variant type: single nucleotide variant.
Coding change: c.4405C>T on transcript NM_001366145.2 (MANE Select); coding-DNA position 4405, C replaced by T.
Protein change: p.Arg1469Trp; replaces arginine 1469 with tryptophan.
Molecular consequence: missense variant. On other transcripts: intron variant (8).
Genome position (GRCh38, 1-based): chr9:70,536,708, G>A on the plus strand (C>T on the coding strand, the complement: TRPM3 is on the minus strand). VCF-style: chr9-70536708-G-A. GRCh37 (hg19) VCF-style: chr9-73151624-G-A.
Other names: c.4369C>T, p.Arg1457Trp (NM_001007471.4); c.4375C>T, p.Arg1459Trp (NM_001366141.2, NM_001366149.2); c.4480C>T, p.Arg1494Trp (NM_001366147.2); c.3910C>T, p.Arg1304Trp (NM_020952.6); c.3946C>T, p.Arg1316Trp (NM_024971.7); c.3880C>T, p.Arg1294Trp (NM_206944.5); c.3916C>T, p.Arg1306Trp (NM_206945.5); c.3985C>T, p.Arg1329Trp (NM_206946.5); and 9 more; short protein forms R1316W, R1319W, R1469W, R1304W, R1329W, R1294W, R1457W, R1494W.
Identifiers: ClinVar variation 4840761 (VCV004840761.1).